The following is an entry in ClinVar:

NM_005045.4(RELN):c.8580C>T (p.Cys2860=)

Genes: RELN (reelin; minus strand), SLC26A5-AS1 (SLC26A5 antisense RNA 1; plus strand). Cytogenetic location: 7q22.1.
Variant type: single nucleotide variant.
Coding change: c.8580C>T on transcript NM_005045.4 (MANE Select); coding-DNA position 8580, C replaced by T.
Protein change: p.Cys2860=; no amino-acid change (cysteine 2860 retained).
Molecular consequence: synonymous variant.
Genome position (GRCh38, 1-based): chr7:103,500,832, G>A on the plus strand (C>T on the coding strand, the complement: RELN is on the minus strand). VCF-style: chr7-103500832-G-A. GRCh37 (hg19) VCF-style: chr7-103141279-G-A.
Other names: c.8580C>T, p.Cys2860= (NM_173054.3).
Identifiers: ClinVar variation 3388581 (VCV003388581.14).

ClinVar aggregate classification (germline): Likely benign (1 of 4 stars; one submission).

gnomAD v4.1: 8 of 1,613,970 alleles (0.0005%); highest among the groups gnomAD compares: African/African-American, 0.004%; no homozygotes.

Submission:

CeGaT Center for Human Genetics Tuebingen
Classification: Likely benign. Last evaluated: 2024-11-01. Review status: criteria provided, single submitter. Criteria: CeGaT Center For Human Genetics Tuebingen Variant Classification Criteria Version 2. Collection method: clinical testing. Allele origin: germline. Affected: yes. Observed: 1 variant allele.
Comment: RELN: BP4, BP7